The following is an entry in ClinVar:

ClinVar aggregate classification (germline): Likely benign (0 of 4 stars; one submission).

Conditions:
ZNF81-related disorder. Also called: ZNF81-related condition.

Allele frequency attached by ClinVar (database versions not stated): TOPMed 0.00002; gnomAD 0.00005 and 0.00009; gnomAD exomes 0.00013 and 0.00031; ExAC 0.00044; 1000 Genomes Project 30x 0.00104; 1000 Genomes Project 0.00132.
gnomAD v4.1: 160 of 1,208,069 alleles (0.013%); highest among the groups gnomAD compares: South Asian, 0.26%; no homozygotes.

Submission:

PreventionGenetics, part of Exact Sciences
Classification: Likely benign for ZNF81-related condition. Last evaluated: 2019-02-20. Review status: no assertion criteria provided. Collection method: clinical testing. Allele origin: germline.
Comment: This variant is classified as likely benign based on ACMG/AMP sequence variant interpretation guidelines (Richards et al. 2015 PMID: 25741868, with internal and published modifications).

NM_007137.5(ZNF81):c.147A>G (p.Val49=)

Gene: ZNF81 (zinc finger protein 81; plus strand). Cytogenetic location: Xp11.23.
Variant type: single nucleotide variant.
Coding change: c.147A>G on transcript NM_007137.5 (MANE Select); coding-DNA position 147, A replaced by G.
Protein change: p.Val49=; no amino-acid change (valine 49 retained).
Molecular consequence: synonymous variant. On other transcripts: non-coding transcript variant (1).
Genome position (GRCh38, 1-based): chrX:47,888,091, A>G. VCF-style: chrX-47888091-A-G. GRCh37 (hg19) VCF-style: chrX-47747490-A-G.
Other names: c.147A>G, p.Val49= (NM_001378152.1, NM_001378153.1, NM_001378154.1 and 1 more transcripts).
Identifiers: ClinVar variation 3047681 (VCV003047681.2), dbSNP rs782661971, ClinGen allele CA10399826.